The following is an entry in ClinVar:

ClinVar aggregate classification (germline): Pathogenic (1 of 4 stars; one submission).

Conditions:
Curry-Hall syndrome (WAD). Also called: WEYERS ACRODENTAL DYSOSTOSIS. Identifiers: Orphanet 952, MedGen C0457013, MONDO:0008673, OMIM 193530.
Ellis-van Creveld syndrome (EVC). Also called: EVC-Related Ellis-van Creveld Syndrome; EVC2-Related Ellis-van Creveld Syndrome; MESOECTODERMAL DYSPLASIA; Chondroectodermal dysplasia. Identifiers: Orphanet 289, MedGen C0013903, MONDO:0009162, OMIM 225500.

Submission:

Labcorp Genetics (formerly Invitae), Labcorp
Classification: Pathogenic for Curry-Hall syndrome; Ellis-van Creveld syndrome. Last evaluated: 2023-06-15. Review status: criteria provided, single submitter. Criteria: Invitae Variant Classification Sherloc (09022015). Collection method: clinical testing. Allele origin: germline.
Comment: This sequence change creates a premature translational stop signal (p.Asp1181Glufs*85) in the EVC2 gene. While this is not anticipated to result in nonsense mediated decay, it is expected to disrupt the last 128 amino acid(s) of the EVC2 protein. This variant is not present in population databases (gnomAD no frequency). This variant has not been reported in the literature in individuals affected with EVC2-related conditions. This variant disrupts a region of the EVC2 protein in which other variant(s) (p.Ser1220Argfs*3) have been determined to be pathogenic (PMID: 12571802, 17024374, 19810119, 23220543). This suggests that this is a clinically significant region of the protein, and that variants that disrupt it are likely to be disease-causing. For these reasons, this variant has been classified as Pathogenic.

Literature cited by the submitters: PubMed 12571802; PubMed 17024374; PubMed 19810119; PubMed 23220543.

NM_147127.5(EVC2):c.3542_3543insACGA (p.Asp1181fs)

Gene: EVC2 (EvC ciliary complex subunit 2; minus strand). Cytogenetic location: 4p16.2.
Variant type: Insertion.
Coding change: c.3542_3543insACGA on transcript NM_147127.5 (MANE Select); coding-DNA positions 3542 to 3543, ACGA inserted.
Protein change: p.Asp1181fs; shifts the reading frame from aspartic acid 1181.
Molecular consequence: frameshift variant.
Genome position: GRCh38 VCF-style: chr4-5568458-G-GTCGT. GRCh37 (hg19) VCF-style: chr4-5570185-G-GTCGT.
Other names: c.3302_3303insACGA, p.Asp1101fs (NM_001166136.2); short protein forms D1101fs, D1181fs.
Identifiers: ClinVar variation 2948879 (VCV002948879.3), dbSNP rs2475182776, ClinGen allele CA2740091203.